The following is an entry in ClinVar:

NM_001844.5(COL2A1):c.3102T>C (p.Pro1034=)

Gene: COL2A1 (collagen type II alpha 1 chain; minus strand). Cytogenetic location: 12q13.11.
Variant type: single nucleotide variant.
Coding change: c.3102T>C on transcript NM_001844.5 (MANE Select); coding-DNA position 3102, T replaced by C.
Protein change: p.Pro1034=; no amino-acid change (proline 1034 retained).
Molecular consequence: synonymous variant.
Genome position (GRCh38, 1-based): chr12:47,978,019, A>G on the plus strand (T>C on the coding strand, the complement: COL2A1 is on the minus strand). VCF-style: chr12-47978019-A-G. GRCh37 (hg19) VCF-style: chr12-48371802-A-G.
Other names: c.2895T>C, p.Pro965= (NM_033150.3).
Identifiers: ClinVar variation 380468 (VCV000380468.19), dbSNP rs1793948, ClinGen allele CA6534900.

ClinVar aggregate classification (germline): Benign/Likely benign. Review status: criteria provided, multiple submitters, no conflicts (2 of 4 stars). 6 submissions from 5 submitters: Benign (4); Likely benign (2). Last evaluated 2026-05-13.

Conditions:
Connective tissue disorder. Also called: Connective tissue disease. Identifiers: MedGen C0009782, MONDO:0003900.
Type 2 collagenopathy. Identifiers: Orphanet 93421, MedGen C2931073, MONDO:0022800.
Stickler syndrome type 1 (STL1). Also called: COL2A1-Related Stickler Syndrome; STICKLER SYNDROME, MEMBRANOUS VITREOUS TYPE; STICKLER SYNDROME, VITREOUS TYPE 1; ARTHROOPHTHALMOPATHY, HEREDITARY PROGRESSIVE. Identifiers: Orphanet 828, Orphanet 90653, MedGen C2020284, MONDO:0007160, OMIM 108300.

Allele frequency attached by ClinVar (database versions not stated): ESP Exome Variant Server 0.00431; TOPMed 0.00479; 1000 Genomes Project 30x 0.00500; ExAC 0.00128; 1000 Genomes Project 0.00399; gnomAD exomes 0.00041 and 0.00100; gnomAD 0.00473 and 0.00435.
gnomAD v4.1: 1,280 of 1,613,428 alleles (0.079%); highest among the groups gnomAD compares: African/African-American, 1.5%; 17 homozygotes.

Submissions (6):

Women's Health and Genetics/Laboratory Corporation of America, LabCorp
Classification: Likely benign. Last evaluated: 2026-05-13. Review status: criteria provided, single submitter. Criteria: LabCorp Variant Classification Summary - May 2015. Collection method: clinical testing. Allele origin: germline.

Labcorp Genetics (formerly Invitae), Labcorp
Classification: Benign. Last evaluated: 2026-02-03. Review status: criteria provided, single submitter. Criteria: Invitae Variant Classification Sherloc (09022015). Collection method: clinical testing. Allele origin: germline.

Genome Diagnostics Laboratory, The Hospital for Sick Children
Classification: Likely benign for Connective tissue disorder. Last evaluated: 2021-09-13. Review status: criteria provided, single submitter. Criteria: ACMG Guidelines, 2015. Collection method: clinical testing. Allele origin: germline.

Illumina Laboratory Services, Illumina
Classification: Benign for Type II Collagenopathies. Last evaluated: 2017-04-28. Review status: criteria provided, single submitter. Criteria: ICSL Variant Classification Criteria 13 December 2019. Collection method: clinical testing. Allele origin: germline.
Comment: This variant was observed as part of a predisposition screen in an ostensibly healthy population. A literature search was performed for the gene, cDNA change, and amino acid change (where applicable). No publications were found based on this search. Allele frequency data from public databases was too high to be consistent with this variant causing disease. Therefore, this variant is classified as benign.

Illumina Laboratory Services, Illumina
Classification: Benign for Stickler syndrome type 1. Last evaluated: 2017-04-28. Review status: criteria provided, single submitter. Criteria: ICSL Variant Classification Criteria 13 December 2019. Collection method: clinical testing. Allele origin: germline.
Comment: the same text as in the submission from Illumina Laboratory Services, Illumina above.

GeneDx
Classification: Benign. Last evaluated: 2016-11-04. Review status: criteria provided, single submitter. Criteria: GeneDx Variant Classification (06012015). Collection method: clinical testing. Allele origin: germline. Affected: yes.
Comment: This variant is considered likely benign or benign based on one or more of the following criteria: it is a conservative change, it occurs at a poorly conserved position in the protein, it is predicted to be benign by multiple in silico algorithms, and/or has population frequency not consistent with disease.